The following is an entry in ClinVar:

ClinVar aggregate classification (germline): Benign/Likely benign. Review status: criteria provided, multiple submitters, no conflicts (2 of 4 stars). 3 submissions from 3 submitters: Benign (1); Likely benign (2). Last evaluated 2025-08-03.

Conditions:
Hereditary cancer-predisposing syndrome. Also called: Tumor predisposition; Hereditary neoplastic syndrome; Neoplastic Syndromes, Hereditary; Hereditary Cancer Syndrome. Identifiers: Orphanet 140162, MedGen C0027672, MeSH D009386, MONDO:0015356.
Hereditary diffuse gastric adenocarcinoma (HDGC). Also called: DIFFUSE GASTRIC AND LOBULAR BREAST CANCER SYNDROME. Identifiers: Orphanet 26106, MedGen C1708349, MONDO:0007648, OMIM 137215.

Submissions (3):

Labcorp Genetics (formerly Invitae), Labcorp
Classification: Likely benign. Last evaluated: 2025-08-03. Review status: criteria provided, single submitter. Criteria: Invitae Variant Classification Sherloc (09022015). Collection method: clinical testing. Allele origin: germline.

Myriad Genetics, Inc.
Classification: Benign for Hereditary diffuse gastric adenocarcinoma. Last evaluated: 2024-10-10. Review status: criteria provided, single submitter. Criteria: Myriad Autosomal Dominant, Autosomal Recessive and X-Linked Classification Criteria (2023). Collection method: clinical testing. Allele origin: unknown.
Comment: This variant is considered benign. This variant is a silent/synonymous amino acid change and it is not expected to impact splicing.

Ambry Genetics
Classification: Likely benign for Hereditary cancer-predisposing syndrome. Last evaluated: 2020-11-17. Review status: criteria provided, single submitter. Criteria: Ambry Variant Classification Scheme 2023. Collection method: clinical testing. Allele origin: germline.

NM_001903.5(CTNNA1):c.1131C>T (p.Asp377=)

Gene: CTNNA1 (catenin alpha 1; plus strand). Cytogenetic location: 5q31.2.
Variant type: single nucleotide variant.
Coding change: c.1131C>T on transcript NM_001903.5 (MANE Select); coding-DNA position 1131, C replaced by T.
Protein change: p.Asp377=; no amino-acid change (aspartic acid 377 retained).
Molecular consequence: synonymous variant. On other transcripts: 5 prime UTR variant (5), intron variant (2).
Genome position (GRCh38, 1-based): chr5:138,886,280, C>T. VCF-style: chr5-138886280-C-T. GRCh37 (hg19) VCF-style: chr5-138221969-C-T.
Other names: c.1131C>T, p.Asp377= (NM_001290307.3, NM_001323982.2, NM_001323983.1 and 3 more transcripts); c.822C>T, p.Asp274= (NM_001290309.3); c.762C>T, p.Asp254= (NM_001290310.3); c.21C>T, p.Asp7= (NM_001290312.1, NM_001323987.1, NM_001323988.1 and 18 more transcripts); c.-377C>T (NM_001324006.1, NM_001324007.1, NM_001324008.1 and 1 more transcripts); c.-252C>T (NM_001324013.1); c.-58+10683C>T (NM_001324012.1); c.-61+10683C>T (NM_001324010.1).
Identifiers: ClinVar variation 704052 (VCV000704052.15), dbSNP rs1581474328, ClinGen allele CA446589081.